The following is an entry in ClinVar:

ClinVar aggregate classification (germline): Uncertain significance (1 of 4 stars; one submission).

Conditions:
Cardiovascular phenotype. Identifiers: MedGen CN230736.

Allele frequency attached by ClinVar (database versions not stated): gnomAD exomes 0.00001.

Submission:

Ambry Genetics
Classification: Uncertain significance for Cardiovascular phenotype. Last evaluated: 2015-05-07. Review status: criteria provided, single submitter. Criteria: Ambry Variant Classification Scheme 2023. Collection method: clinical testing. Allele origin: germline.
Comment: The p.K161R variant (also known as c.482A>G), located in coding exon 5 of the TRDN gene, results from an A to G substitution at nucleotide position 482. The lysine at codon 161 is replaced by arginine, an amino acid with highly similar properties. This variant was not reported in population based cohorts in the following databases: Database of Single Nucleotide Polymorphisms (dbSNP), NHLBI Exome Sequencing Project (ESP), and 1000 Genomes Project. In the ESP, this variant was not observed in 3,479 samples (6,958 alleles) with coverage at this position. This amino acid position is conserved in available vertebrate species; however, arginine is the reference amnio acid in chicken. In addition, this alteration is predicted to be tolerated by in silico analysis. Since supporting evidence is limited at this time, the clinical significance of this variant remains unclear.

NM_006073.4(TRDN):c.482A>G (p.Lys161Arg)

Gene: TRDN (triadin; minus strand). Cytogenetic location: 6q22.31.
Variant type: single nucleotide variant.
Coding change: c.482A>G on transcript NM_006073.4 (MANE Select); coding-DNA position 482, A replaced by G.
Protein change: p.Lys161Arg; replaces lysine 161 with arginine.
Molecular consequence: missense variant.
Genome position (GRCh38, 1-based): chr6:123,530,508, T>C on the plus strand (A>G on the coding strand, the complement: TRDN is on the minus strand). VCF-style: chr6-123530508-T-C. GRCh37 (hg19) VCF-style: chr6-123851653-T-C.
Other names: c.482A>G, p.Lys161Arg (NM_001251987.2, NM_001256020.2, NM_001256021.2 and 1 more transcripts); short protein forms K161R.
Identifiers: ClinVar variation 263984 (VCV000263984.5), dbSNP rs886039003, ClinGen allele CA10587629.